The following is an entry in ClinVar:

ClinVar aggregate classification (germline): Pathogenic/Likely pathogenic. Review status: criteria provided, multiple submitters, no conflicts (2 of 4 stars). 2 submissions from 2 submitters: Pathogenic (1); Likely pathogenic (1). Last evaluated 2025-12-14.

Conditions:
Marfan Syndrome/Loeys-Dietz Syndrome/Familial Thoracic Aortic Aneurysms and Dissections. Identifiers: MedGen CN229799.
Familial thoracic aortic aneurysm and aortic dissection (TAAD). Also called: Thoracic aortic aneurysms and dissections. Identifiers: Orphanet 91387, MedGen C4707243, MONDO:0019625.
Marfan syndrome (MFS). Also called: Marfan syndrome, classic; Marfan syndrome type 1; Marfan's syndrome; FBN1-Related Marfan Syndrome; MARFAN SYNDROME, TYPE I. Identifiers: Orphanet 284963, Orphanet 558, MedGen C0024796, MONDO:0007947, OMIM 154700.

Submissions (2):

Labcorp Genetics (formerly Invitae), Labcorp
Classification: Pathogenic for Marfan syndrome; Familial thoracic aortic aneurysm and aortic dissection. Last evaluated: 2025-12-14. Review status: criteria provided, single submitter. Criteria: Invitae Variant Classification Sherloc (09022015). Collection method: clinical testing. Allele origin: germline.
Comment: This sequence change creates a premature translational stop signal (p.Leu1165Thrfs*9) in the FBN1 gene. It is expected to result in an absent or disrupted protein product. Loss-of-function variants in FBN1 are known to be pathogenic (PMID: 17657824, 19293843). This variant is not present in population databases (gnomAD no frequency). This variant has not been reported in the literature in individuals affected with FBN1-related conditions. ClinVar contains an entry for this variant (Variation ID: 928901). For these reasons, this variant has been classified as Pathogenic.

Women's Health and Genetics/Laboratory Corporation of America, LabCorp
Classification: Likely pathogenic for Marfan Syndrome/Loeys-Dietz Syndrome/Familial Thoracic Aortic Aneurysms and Dissections. Last evaluated: 2019-09-02. Review status: criteria provided, single submitter. Criteria: LabCorp Variant Classification Summary - May 2015. Collection method: clinical testing. Allele origin: germline.
Comment: Variant summary: FBN1 c.3487_3488dupGC (p.Leu1165ThrfsX9) results in a premature termination codon, predicted to cause a truncation of the encoded protein or absence of the protein due to nonsense mediated decay, which are commonly known mechanisms for disease. Truncations downstream of this position have been classified as pathogenic by our laboratory. The variant was absent in 251438 control chromosomes (gnomAD). To our knowledge, no occurrence of c.3487_3488dupGC in individuals affected with Marfan Syndrome and no experimental evidence demonstrating its impact on protein function have been reported. No submitters have provided clinical-significance assessments for this variant to ClinVar after 2014. Based on the evidence outlined above, the variant was classified as likely pathogenic.

Literature cited by the submitters: PubMed 17657824 (cited by Labcorp Genetics (formerly Invitae), Labcorp); PubMed 19293843 (cited by Labcorp Genetics (formerly Invitae), Labcorp).

NM_000138.5(FBN1):c.3487_3488dup (p.Leu1165fs)

Gene: FBN1 (fibrillin 1; minus strand). Cytogenetic location: 15q21.1.
Variant type: Duplication.
Coding change: c.3487_3488dup on transcript NM_000138.5 (MANE Select); coding-DNA positions 3487 to 3488, 2 bases duplicated (GC; older notation c.3487_3488dupGC).
Protein change: p.Leu1165fs; shifts the reading frame from leucine 1165.
Molecular consequence: frameshift variant.
Genome position (GRCh38, 1-based): chr15:48,487,176-48,487,177, GC duplicated on the plus strand (GC on the coding strand, the reverse complement: FBN1 is on the minus strand). VCF-style (leftmost placement, unchanged base first): chr15-48487175-T-TGC. GRCh37 (hg19) VCF-style: chr15-48779372-T-TGC.
Other names: short protein forms L1165fs.
Identifiers: ClinVar variation 928901 (VCV000928901.4), dbSNP rs2043515102, ClinGen allele CA1139663898.